The following is an entry in ClinVar:

ClinVar aggregate classification (germline): Conflicting classifications of pathogenicity. Review status: criteria provided, conflicting classifications (1 of 4 stars). 16 submissions from 12 submitters: Uncertain significance (7); Likely benign (6). 3 of the submissions do not count toward it. Last evaluated 2025-02-16.

Conditions:
Dilated cardiomyopathy 1G (CMD1G). Identifiers: Orphanet 154, MedGen C1858763, MONDO:0011400, OMIM 604145.
Autosomal recessive limb-girdle muscular dystrophy type 2J (LGMDR10). Also called: MUSCULAR DYSTROPHY, LIMB-GIRDLE, AUTOSOMAL RECESSIVE 10; Limb-girdle muscular dystrophy, type 2J. Identifiers: Orphanet 140922, MedGen C1837342, MONDO:0012127, OMIM 608807.
TTN-related disorder. Also called: TTN-related disorders; TTN-related condition; TTN-related disease.
Cardiovascular phenotype. Identifiers: MedGen CN230736.
Myopathy, myofibrillar, 9, with early respiratory failure (MFM9). Also called: Hereditary myopathy with early respiratory failure; EDSTROM MYOPATHY; Myopathy, distal, with early respiratory failure, autosomal dominant; MYOPATHY, PROXIMAL, WITH EARLY RESPIRATORY MUSCLE INVOLVEMENT. Identifiers: Orphanet 178464, Orphanet 34521, MedGen C1863599, MONDO:0011362, OMIM 603689.
Tibial muscular dystrophy (TMD). Also called: Udd Distal Myopathy – Tibial Muscular Dystrophy; Tibial muscular dystrophy, tardive; UDD MYOPATHY. Identifiers: Orphanet 609, MedGen C1838244, MONDO:0010870, OMIM 600334.
Early-onset myopathy with fatal cardiomyopathy (CMYO5). Also called: CONGENITAL MYOPATHY 5 WITH CARDIOMYOPATHY; Salih Myopathy. Identifiers: Orphanet 289377, MedGen C2673677, MONDO:0012714, OMIM 611705. Disease mechanism: loss of function.

Allele frequency attached by ClinVar (database versions not stated): ExAC 0.00008; gnomAD 0.00011 and 0.00009; gnomAD exomes 0.00008 and 0.00011; TOPMed 0.00006.
gnomAD v4.1: 138 of 1,611,342 alleles (0.0086%); highest among the groups gnomAD compares: Admixed American, 0.012%; no homozygotes.

Submissions (16):

Laboratory of Genetics, Children's Clinical University Hospital Latvia
Classification: Likely benign. Last evaluated: 2025-02-16. Review status: criteria provided, single submitter. Criteria: ACMG Guidelines, 2015. Collection method: clinical testing. Allele origin: germline. Affected: yes.

Women's Health and Genetics/Laboratory Corporation of America, LabCorp
Classification: Uncertain significance. Last evaluated: 2024-11-26. Review status: criteria provided, single submitter. Criteria: LabCorp Variant Classification Summary - May 2015. Collection method: clinical testing. Allele origin: germline.
Comment: Variant summary: TTN c.43154-3C>T alters a conserved nucleotide located close to a canonical splice site and therefore could affect mRNA splicing, leading to a significantly altered protein sequence. Consensus agreement among computation tools predict no significant impact on normal splicing. However, these predictions have yet to be confirmed by functional studies. The variant allele was found at a frequency of 0.00011 in 246042 control chromosomes. This frequency is not significantly higher than estimated for a pathogenic variant in TTN causing Dilated Cardiomyopathy (0.00011 vs 0.00039). To our knowledge, no occurrence of c.43154-3C>T in individuals affected with TTN-related conditions and no experimental evidence demonstrating its impact on protein function have been reported. ClinVar contains an entry for this variant (Variation ID: 155849). Based on the evidence outlined above, the variant was classified as VUS.

Blueprint Genetics
Classification: Likely benign. Last evaluated: 2024-10-31. Review status: criteria provided, single submitter. Criteria: ACMG Guidelines, 2015. Collection method: clinical testing. Allele origin: germline.

Revvity Omics, Revvity
Classification: Uncertain significance. Last evaluated: 2023-09-26. Review status: criteria provided, single submitter. Criteria: ACMG Guidelines, 2015. Collection method: clinical testing. Allele origin: germline.

Ambry Genetics
Classification: Likely benign for Cardiovascular phenotype. Last evaluated: 2019-06-27. Review status: criteria provided, single submitter. Criteria: Ambry Variant Classification Scheme 2023. Collection method: clinical testing. Allele origin: germline.

Eurofins Ntd Llc (ga)
Classification: Uncertain significance. Last evaluated: 2018-06-25. Review status: criteria provided, single submitter. Criteria: EGL ClinVar v180209 classification definitions. Collection method: clinical testing. Allele origin: germline. Observed: 3 variant alleles, 2 heterozygotes.

GeneDx
Classification: Likely benign. Last evaluated: 2018-03-15. Review status: criteria provided, single submitter. Criteria: GeneDx Variant Classification (06012015). Collection method: clinical testing. Allele origin: germline. Affected: yes.
Comment: This variant is considered likely benign or benign based on one or more of the following criteria: it is a conservative change, it occurs at a poorly conserved position in the protein, it is predicted to be benign by multiple in silico algorithms, and/or has population frequency not consistent with disease.

Illumina Laboratory Services, Illumina
Classification: Likely benign for Tibial muscular dystrophy. Last evaluated: 2018-01-13. Review status: criteria provided, single submitter. Criteria: ICSL Variant Classification Criteria 13 December 2019. Collection method: clinical testing. Allele origin: germline.
Comment: This variant was observed in the ICSL laboratory as part of a predisposition screen in an ostensibly healthy population. It had not been previously curated by ICSL or reported in the Human Gene Mutation Database (HGMD: prior to June 1st, 2018), and was therefore a candidate for classification through an automated scoring system. Utilizing variant allele frequency, disease prevalence and penetrance estimates, and inheritance mode, an automated score was calculated to assess if this variant is too frequent to cause the disease. Based on the score and internal cut-off values, a variant classified as likely benign is not then subjected to further curation. The score for this variant resulted in a classification of likely benign for this disease.

Illumina Laboratory Services, Illumina
Classification: Likely benign for Myopathy, myofibrillar, 9, with early respiratory failure. Last evaluated: 2018-01-13. Review status: criteria provided, single submitter. Criteria: ICSL Variant Classification Criteria 13 December 2019. Collection method: clinical testing. Allele origin: germline.
Comment: the same text as in the submission from Illumina Laboratory Services, Illumina above.

Illumina Laboratory Services, Illumina
Classification: Uncertain significance for Dilated cardiomyopathy 1G. Last evaluated: 2018-01-13. Review status: criteria provided, single submitter. Criteria: ICSL Variant Classification Criteria 13 December 2019. Collection method: clinical testing. Allele origin: germline.

Illumina Laboratory Services, Illumina
Classification: Uncertain significance for Early-onset myopathy with fatal cardiomyopathy. Last evaluated: 2018-01-13. Review status: criteria provided, single submitter. Criteria: ICSL Variant Classification Criteria 13 December 2019. Collection method: clinical testing. Allele origin: germline.

Illumina Laboratory Services, Illumina
Classification: Uncertain significance for Autosomal recessive limb-girdle muscular dystrophy type 2J. Last evaluated: 2018-01-13. Review status: criteria provided, single submitter. Criteria: ICSL Variant Classification Criteria 13 December 2019. Collection method: clinical testing. Allele origin: germline.

Labcorp Genetics (formerly Invitae), Labcorp
Classification: Uncertain significance for Dilated cardiomyopathy 1G; Autosomal recessive limb-girdle muscular dystrophy type 2J. Last evaluated: 2017-06-21. Review status: criteria provided, single submitter. Criteria: Invitae Variant Classification Sherloc (09022015). Collection method: clinical testing. Allele origin: germline.

PreventionGenetics, part of Exact Sciences
Classification: Likely benign for TTN-related condition. Last evaluated: 2021-04-29. Review status: no assertion criteria provided. Collection method: clinical testing. Allele origin: germline. Not counted in ClinVar's aggregate classification.
Comment: This variant is classified as likely benign based on ACMG/AMP sequence variant interpretation guidelines (Richards et al. 2015 PMID: 25741868, with internal and published modifications).

Diagnostic Laboratory, Department of Genetics, University Medical Center Groningen
Classification: Likely benign. Review status: no assertion criteria provided. Collection method: clinical testing. Allele origin: germline. Affected: yes. Study: VKGL Data-share Consensus. Not counted in ClinVar's aggregate classification.

Genome Diagnostics Laboratory, University Medical Center Utrecht
Classification: Likely benign. Review status: no assertion criteria provided. Collection method: clinical testing. Allele origin: germline. Affected: yes. Study: VKGL Data-share Consensus. Not counted in ClinVar's aggregate classification.

NM_001267550.2(TTN):c.50858-3C>T

Genes: TTN (titin; minus strand), TTN-AS1 (TTN antisense RNA 1; plus strand). Cytogenetic location: 2q31.2.
Variant type: single nucleotide variant.
Coding change: c.50858-3C>T on transcript NM_001267550.2 (MANE Select); 3 bases into the intron before coding-DNA position 50858, C replaced by T.
Molecular consequence: intron variant.
Genome position (GRCh38, 1-based): chr2:178,611,274, G>A on the plus strand (C>T on the coding strand, the complement: TTN is on the minus strand). VCF-style: chr2-178611274-G-A. GRCh37 (hg19) VCF-style: chr2-179476001-G-A.
Other names: c.23663-3C>T (NM_003319.4); c.24239-3C>T (NM_133437.4); c.24038-3C>T (NM_133432.3); c.43154-3C>T (NM_133378.4); c.45935-3C>T (NM_001256850.1).
Identifiers: ClinVar variation 155849 (VCV000155849.37), dbSNP rs587782987, ClinGen allele CA345902.